The following is an entry in ClinVar:

NM_005591.4(MRE11):c.98G>A (p.Gly33Glu)

Gene: MRE11 (MRE11 double strand break repair nuclease; minus strand). Cytogenetic location: 11q21.
Variant type: single nucleotide variant.
Coding change: c.98G>A on transcript NM_005591.4 (MANE Select); coding-DNA position 98, G replaced by A.
Protein change: p.Gly33Glu; replaces glycine 33 with glutamic acid.
Molecular consequence: missense variant.
Genome position (GRCh38, 1-based): chr11:94,490,888, C>T on the plus strand (G>A on the coding strand, the complement: MRE11 is on the minus strand). VCF-style: chr11-94490888-C-T. GRCh37 (hg19) VCF-style: chr11-94224054-C-T.
Other names: c.98G>A, p.Gly33Glu (NM_001330347.2, NM_005590.4); short protein forms G33E.
Identifiers: ClinVar variation 233069 (VCV000233069.13), dbSNP rs761681478, ClinGen allele CA6235463.

ClinVar aggregate classification (germline): Uncertain significance. Review status: criteria provided, multiple submitters, no conflicts (2 of 4 stars). 2 submissions from 2 submitters: Uncertain significance (2). Last evaluated 2022-09-24.

Conditions:
Hereditary cancer-predisposing syndrome. Also called: Neoplastic Syndromes, Hereditary; Tumor predisposition; Hereditary Cancer Syndrome; Hereditary neoplastic syndrome. Identifiers: Orphanet 140162, MedGen C0027672, MeSH D009386, MONDO:0015356.
Ataxia-telangiectasia-like disorder (ATLD). Identifiers: MedGen C1858391, MONDO:0011457.

Allele frequency attached by ClinVar (database versions not stated): gnomAD exomes below 0.00001; ExAC 0.00001; gnomAD 0.00001; TOPMed 0.00001.
gnomAD v4.1: 3 of 1,610,834 alleles (0.00019%); highest among the groups gnomAD compares: Non-Finnish European, 0.00025%; no homozygotes.

Submissions (2):

Ambry Genetics
Classification: Uncertain significance for Hereditary cancer-predisposing syndrome. Last evaluated: 2022-09-24. Review status: criteria provided, single submitter. Criteria: Ambry Variant Classification Scheme 2023. Collection method: clinical testing. Allele origin: germline.
Comment: The p.G33E variant (also known as c.98G>A), located in coding exon 2 of the MRE11A gene, results from a G to A substitution at nucleotide position 98. The glycine at codon 33 is replaced by glutamic acid, an amino acid with similar properties. This amino acid position is highly conserved in available vertebrate species. In addition, this alteration is predicted to be deleterious by in silico analysis. Since supporting evidence is limited at this time, the clinical significance of this alteration remains unclear.

Labcorp Genetics (formerly Invitae), Labcorp
Classification: Uncertain significance for Ataxia-telangiectasia-like disorder. Last evaluated: 2022-05-31. Review status: criteria provided, single submitter. Criteria: Invitae Variant Classification Sherloc (09022015). Collection method: clinical testing. Allele origin: germline.
Comment: This sequence change replaces glycine, which is neutral and non-polar, with glutamic acid, which is acidic and polar, at codon 33 of the MRE11 protein (p.Gly33Glu). This variant is present in population databases (rs761681478, gnomAD 0.0009%). This variant has not been reported in the literature in individuals affected with MRE11-related conditions. ClinVar contains an entry for this variant (Variation ID: 233069). Algorithms developed to predict the effect of missense changes on protein structure and function are either unavailable or do not agree on the potential impact of this missense change (SIFT: "Deleterious"; PolyPhen-2: "Probably Damaging"; Align-GVGD: "Class C0"). In summary, the available evidence is currently insufficient to determine the role of this variant in disease. Therefore, it has been classified as a Variant of Uncertain Significance.